The following is an entry in ClinVar:

NM_000535.7(PMS2):c.1831A>G (p.Ile611Val)

Gene: PMS2 (PMS1 homolog 2, mismatch repair system component; minus strand). Cytogenetic location: 7p22.1.
Variant type: single nucleotide variant.
Coding change: c.1831A>G on transcript NM_000535.7 (MANE Select); coding-DNA position 1831, A replaced by G.
Protein change: p.Ile611Val; replaces isoleucine 611 with valine.
Molecular consequence: missense variant. On other transcripts: non-coding transcript variant (1).
Genome position (GRCh38, 1-based): chr7:5,986,934, T>C on the plus strand (A>G on the coding strand, the complement: PMS2 is on the minus strand). VCF-style: chr7-5986934-T-C. GRCh37 (hg19) VCF-style: chr7-6026565-T-C.
Other names: c.1465A>G, p.Ile489Val (NM_001406886.1); c.1426A>G, p.Ile476Val (NM_001406887.1, NM_001406888.1, NM_001406889.1 and 17 more transcripts); c.1366A>G, p.Ile456Val (NM_001406900.1); c.1357A>G, p.Ile453Val (NM_001406901.1, NM_001406902.1); c.1513A>G, p.Ile505Val (NM_001406903.1, NM_001322007.2, NM_001322008.2 and 2 more transcripts); c.1318A>G, p.Ile440Val (NM_001406904.1, NM_001406905.1); c.1270A>G, p.Ile424Val (NM_001406906.1, NM_001406907.1, NM_001322010.2); c.1258A>G, p.Ile420Val (NM_001406909.1, NM_001322013.2); and 12 more; short protein forms I420V, I440V, I476V, I503V, I508V, I673V, I300V, I545V.
Identifiers: ClinVar variation 1780960 (VCV001780960.2), dbSNP rs2128722722, ClinGen allele CA366739684.

ClinVar aggregate classification (germline): Uncertain significance (1 of 4 stars; one submission).

Conditions:
Hereditary cancer-predisposing syndrome. Also called: Neoplastic Syndromes, Hereditary; Tumor predisposition; Hereditary Cancer Syndrome; Hereditary neoplastic syndrome. Identifiers: Orphanet 140162, MedGen C0027672, MeSH D009386, MONDO:0015356.

Submission:

Ambry Genetics
Classification: Uncertain significance for Hereditary cancer-predisposing syndrome. Last evaluated: 2017-09-28. Review status: criteria provided, single submitter. Criteria: Ambry Variant Classification Scheme 2023. Collection method: clinical testing. Allele origin: germline.
Comment: The p.I611V variant (also known as c.1831A>G), located in coding exon 11 of the PMS2 gene, results from an A to G substitution at nucleotide position 1831. The isoleucine at codon 611 is replaced by valine, an amino acid with highly similar properties. This amino acid position is not well conserved in available vertebrate species. In addition, this alteration is predicted to be tolerated by in silico analysis. Since supporting evidence is limited at this time, the clinical significance of this alteration remains unclear.